The following is an entry in ClinVar:

NM_015271.5(TRIM2):c.878C>A (p.Thr293Lys)

Gene: TRIM2 (tripartite motif containing 2; plus strand). Cytogenetic location: 4q31.3.
Variant type: single nucleotide variant.
Coding change: c.878C>A on transcript NM_015271.5 (MANE Select); coding-DNA position 878, C replaced by A.
Protein change: p.Thr293Lys; replaces threonine 293 with lysine.
Molecular consequence: missense variant.
Genome position (GRCh38, 1-based): chr4:153,295,404, C>A. VCF-style: chr4-153295404-C-A. GRCh37 (hg19) VCF-style: chr4-154216556-C-A.
Other names: c.797C>A, p.Thr266Lys (NM_001130067.2, NM_001351056.2, NM_001375512.1 and 10 more transcripts); c.851C>A, p.Thr284Lys (NM_001351054.2); c.848C>A, p.Thr283Lys (NM_001351055.2); c.422C>A, p.Thr141Lys (NM_001351057.2); c.971C>A, p.Thr324Lys (NM_001375488.1); c.968C>A, p.Thr323Lys (NM_001375489.1); c.821C>A, p.Thr274Lys (NM_001375490.1); c.818C>A, p.Thr273Lys (NM_001375491.1); and 5 more; short protein forms T141K, T180K, T181K, T182K, T266K, T273K, T274K, T283K.
Identifiers: ClinVar variation 4848143 (VCV004848143.1).
Genomic context (GRCh38, chr4:153,295,404, plus strand): 5'-AGGGGCAGGAGAGCATTAAGAGCTGCAGCAACTTCACAGCGCAGGCCCTCAACCATGGCA[C>A]GGAGACCGAGGTCCTACTGGTGAAGAAGCAGATGAGCGAGAAGCTGAACGAGCTGGCCGA-3'
Protein context (NP_056086.2, residues 283-303): NFTAQALNHG[Thr293Lys]ETEVLLVKKQ

ClinVar aggregate classification (germline): Uncertain significance (1 of 4 stars; one submission).

Submission:

Women's Health and Genetics/Laboratory Corporation of America, LabCorp
Classification: Uncertain significance. Last evaluated: 2026-02-24. Review status: criteria provided, single submitter. Criteria: LabCorp Variant Classification Summary - May 2015. Collection method: clinical testing. Allele origin: germline.
Comment: Variant summary: TRIM2 c.797C>A (p.Thr266Lys) results in a non-conservative amino acid change in the encoded protein sequence. Algorithms developed to predict the effect of missense changes on protein structure and function are either unavailable or do not agree on the potential impact of this missense change. The variant was absent in 251024 control chromosomes. The available data on variant occurrences in the general population are insufficient to allow any conclusion about variant significance. To our knowledge, no occurrence of c.797C>A in individuals affected with TRIM2-related conditions and no experimental evidence demonstrating its impact on protein function have been reported. No submitters have cited clinical-significance assessments for this variant to ClinVar. Based on the evidence outlined above, the variant was classified as uncertain significance.